The following is an entry in ClinVar:

ClinVar aggregate classification (germline): Uncertain significance (1 of 4 stars; one submission).

gnomAD v4.1: 10 of 1,614,034 alleles (0.00062%); highest among the groups gnomAD compares: African/African-American, 0.013%; no homozygotes.

Submission:

Labcorp Genetics (formerly Invitae), Labcorp
Classification: Uncertain significance. Last evaluated: 2025-09-12. Review status: criteria provided, single submitter. Criteria: Invitae Variant Classification Sherloc (09022015). Collection method: clinical testing. Allele origin: germline.
Comment: This sequence change replaces threonine, which is neutral and polar, with alanine, which is neutral and non-polar, at codon 520 of the ALB protein (p.Thr520Ala). This variant is present in population databases (rs148518742, gnomAD 0.02%). This variant has not been reported in the literature in individuals affected with ALB-related conditions. Invitae Evidence Modeling of protein sequence and biophysical properties (such as structural, functional, and spatial information, amino acid conservation, physicochemical variation, residue mobility, and thermodynamic stability) indicates that this missense variant is expected to disrupt ALB protein function with a positive predictive value of 80%. In summary, the available evidence is currently insufficient to determine the role of this variant in disease. Therefore, it has been classified as a Variant of Uncertain Significance.

NM_000477.7(ALB):c.1558A>G (p.Thr520Ala)

Gene: ALB (albumin; plus strand). Cytogenetic location: 4q13.3.
Variant type: single nucleotide variant.
Coding change: c.1558A>G on transcript NM_000477.7 (MANE Select); coding-DNA position 1558, A replaced by G.
Protein change: p.Thr520Ala; replaces threonine 520 with alanine.
Molecular consequence: missense variant.
Genome position (GRCh38, 1-based): chr4:73,418,217, A>G. VCF-style: chr4-73418217-A-G. GRCh37 (hg19) VCF-style: chr4-74283934-A-G.
Other names: short protein forms T520A.
Identifiers: ClinVar variation 4705769 (VCV004705769.1).